The following is an entry in ClinVar:

NM_001130987.2(DYSF):c.885T>G (p.Asn295Lys)

Gene: DYSF (dysferlin; plus strand). Cytogenetic location: 2p13.2.
Variant type: single nucleotide variant.
Coding change: c.885T>G on transcript NM_001130987.2 (MANE Select); coding-DNA position 885, T replaced by G.
Protein change: p.Asn295Lys; replaces asparagine 295 with lysine.
Molecular consequence: missense variant.
Genome position (GRCh38, 1-based): chr2:71,515,748, T>G. VCF-style: chr2-71515748-T-G. GRCh37 (hg19) VCF-style: chr2-71742878-T-G.
Other names: c.789T>G (NM_003494.3); c.792T>G, p.Asn264Lys (NM_001130455.2, NM_001130983.2, NM_001130984.2 and 1 more transcripts); c.789T>G, p.Asn263Lys (NM_001130976.2, NM_001130977.2, NM_001130978.2 and 1 more transcripts); c.882T>G, p.Asn294Lys (NM_001130979.2, NM_001130980.2, NM_001130981.2); c.885T>G, p.Asn295Lys (NM_001130982.2, NM_001130985.2); short protein forms N263K, N264K, N294K, N295K.
Identifiers: ClinVar variation 1106972 (VCV001106972.11), dbSNP rs201550600, ClinGen allele CA1705488.

ClinVar aggregate classification (germline): Conflicting classifications of pathogenicity. Review status: criteria provided, conflicting classifications (1 of 4 stars). 3 submissions from 3 submitters: Uncertain significance (2); Likely benign (1). Last evaluated 2025-03-24.

Conditions:
Neuromuscular disease caused by qualitative or quantitative defects of dysferlin. Also called: Qualitative or quantitative defects of dysferlin; Dysferlinopathy. Identifiers: Orphanet 207073, MedGen C2931687, MONDO:0016145.

Allele frequency attached by ClinVar (database versions not stated): TOPMed below 0.00001; gnomAD 0.00001; gnomAD exomes 0.00005; ExAC 0.00009; 1000 Genomes Project 30x 0.00016; 1000 Genomes Project 0.00020.
gnomAD v4.1: 96 of 1,614,008 alleles (0.0059%); highest among the groups gnomAD compares: Non-Finnish European, 0.0075%; no homozygotes.

Submissions (3):

Athena Diagnostics
Classification: Uncertain significance. Last evaluated: 2025-03-24. Review status: criteria provided, single submitter. Criteria: Athena Diagnostics Criteria. Collection method: clinical testing. Allele origin: unknown.
Comment: Available data are insufficient to determine the clinical significance of the variant at this time. The frequency of this variant in the general population is uninformative in assessment of its pathogenicity. Computational tools disagree on the variant's effect on normal protein function.

Labcorp Genetics (formerly Invitae), Labcorp
Classification: Likely benign for Neuromuscular disease caused by qualitative or quantitative defects of dysferlin. Last evaluated: 2025-02-13. Review status: criteria provided, single submitter. Criteria: Invitae Variant Classification Sherloc (09022015). Collection method: clinical testing. Allele origin: germline.

Blueprint Genetics
Classification: Uncertain significance. Last evaluated: 2021-07-16. Review status: criteria provided, single submitter. Criteria: ACMG Guidelines, 2015. Collection method: clinical testing. Allele origin: germline.